The following is an entry in ClinVar:

ClinVar aggregate classification (germline): Likely benign (1 of 4 stars; one submission).

Submission:

CeGaT Center for Human Genetics Tuebingen
Classification: Likely benign. Last evaluated: 2024-12-01. Review status: criteria provided, single submitter. Criteria: CeGaT Center For Human Genetics Tuebingen Variant Classification Criteria Version 2. Collection method: clinical testing. Allele origin: germline. Affected: yes. Observed: 1 variant allele.
Comment: GATAD2B: PM2:Supporting, BP4, BP7

NM_020699.4(GATAD2B):c.348A>G (p.Arg116=)

Gene: GATAD2B (GATA zinc finger domain containing 2B; minus strand). Cytogenetic location: 1q21.3.
Variant type: single nucleotide variant.
Coding change: c.348A>G on transcript NM_020699.4 (MANE Select); coding-DNA position 348, A replaced by G.
Protein change: p.Arg116=; no amino-acid change (arginine 116 retained).
Molecular consequence: synonymous variant.
Genome position (GRCh38, 1-based): chr1:153,819,723, T>C on the plus strand (A>G on the coding strand, the complement: GATAD2B is on the minus strand). VCF-style: chr1-153819723-T-C. GRCh37 (hg19) VCF-style: chr1-153792199-T-C.
Identifiers: ClinVar variation 3772105 (VCV003772105.13).